The following is an entry in ClinVar:

NM_003072.5(SMARCA4):c.466G>A (p.Gly156Ser)

Gene: SMARCA4 (SWI/SNF related BAF chromatin remodeling complex subunit ATPase 4; plus strand). Cytogenetic location: 19p13.2.
Variant type: single nucleotide variant.
Coding change: c.466G>A on transcript NM_003072.5 (MANE Select); coding-DNA position 466, G replaced by A.
Protein change: p.Gly156Ser; replaces glycine 156 with serine.
Molecular consequence: missense variant. On other transcripts: non-coding transcript variant (1).
Genome position (GRCh38, 1-based): chr19:10,986,299, G>A. VCF-style: chr19-10986299-G-A. GRCh37 (hg19) VCF-style: chr19-11096975-G-A.
Other names: c.466G>A, p.Gly156Ser (NM_001128844.3, NM_001128845.2, NM_001128846.2 and 5 more transcripts); short protein forms G156S.
Identifiers: ClinVar variation 570021 (VCV000570021.12), dbSNP rs954975906, ClinGen allele CA305286695.

ClinVar aggregate classification (germline): Uncertain significance. Review status: criteria provided, multiple submitters, no conflicts (2 of 4 stars). 3 submissions from 3 submitters: Uncertain significance (3). Last evaluated 2025-06-12.

Conditions:
Hereditary cancer-predisposing syndrome. Also called: Hereditary neoplastic syndrome; Tumor predisposition; Neoplastic Syndromes, Hereditary; Hereditary Cancer Syndrome. Identifiers: Orphanet 140162, MedGen C0027672, MeSH D009386, MONDO:0015356.
Rhabdoid tumor predisposition syndrome 2 (RTPS2). Identifiers: Orphanet 231108, Orphanet 69077, MedGen C2750074, MONDO:0013224, OMIM 613325.

Submissions (3):

Ambry Genetics
Classification: Uncertain significance for Hereditary cancer-predisposing syndrome. Last evaluated: 2025-06-12. Review status: criteria provided, single submitter. Criteria: Ambry Variant Classification Scheme 2023. Collection method: clinical testing. Allele origin: germline.
Comment: The p.G156S variant (also known as c.466G>A), located in coding exon 3 of the SMARCA4 gene, results from a G to A substitution at nucleotide position 466. The glycine at codon 156 is replaced by serine, an amino acid with similar properties. This amino acid position is not well conserved in available vertebrate species. In addition, this alteration is predicted to be tolerated by in silico analysis. Since supporting evidence is limited at this time, the clinical significance of this alteration remains unclear.

GeneDx
Classification: Uncertain significance. Last evaluated: 2024-08-14. Review status: criteria provided, single submitter. Criteria: GeneDx Variant Classification Process June 2021. Collection method: clinical testing. Allele origin: germline. Affected: yes.
Comment: Not observed at significant frequency in large population cohorts (gnomAD); In silico analysis indicates that this missense variant does not alter protein structure/function; Has not been previously published as pathogenic or benign to our knowledge

Labcorp Genetics (formerly Invitae), Labcorp
Classification: Uncertain significance for Rhabdoid tumor predisposition syndrome 2. Last evaluated: 2021-04-30. Review status: criteria provided, single submitter. Criteria: Invitae Variant Classification Sherloc (09022015). Collection method: clinical testing. Allele origin: germline.
Comment: In summary, the available evidence is currently insufficient to determine the role of this variant in disease. Therefore, it has been classified as a Variant of Uncertain Significance. Algorithms developed to predict the effect of sequence changes on RNA splicing suggest that this variant may create or strengthen a splice site, but this prediction has not been confirmed by published transcriptional studies. Algorithms developed to predict the effect of missense changes on protein structure and function do not agree on the potential impact of this missense change (SIFT: "Deleterious"; PolyPhen-2: "Benign"; Align-GVGD: "Class C0"). This variant has not been reported in the literature in individuals with SMARCA4-related disease. This variant is not present in population databases (ExAC no frequency). This sequence change replaces glycine with serine at codon 156 of the SMARCA4 protein (p.Gly156Ser). The glycine residue is highly conserved and there is a small physicochemical difference between glycine and serine.